The following is an entry in ClinVar:

NM_000368.5(TSC1):c.1004del (p.Thr335fs)

Gene: TSC1 (TSC complex subunit 1; minus strand). Cytogenetic location: 9q34.13.
Variant type: Deletion.
Coding change: c.1004del on transcript NM_000368.5 (MANE Select); coding-DNA position 1004, one base deleted (C; older notation c.1004delC).
Protein change: p.Thr335fs; shifts the reading frame from threonine 335.
Molecular consequence: frameshift variant. On other transcripts: 5 prime UTR variant (2), non-coding transcript variant (5).
Genome position (GRCh38, 1-based): chr9:132,911,478, G deleted on the plus strand (C on the coding strand, the reverse complement: TSC1 is on the minus strand). VCF-style (leftmost placement, unchanged base first): chr9-132911477-TG-T. GRCh37 (hg19) VCF-style: chr9-135786864-TG-T.
Other names: c.1004del, p.Thr335fs (NM_001162426.2, NM_001406592.1, NM_001406593.1 and 16 more transcripts); c.851del, p.Thr284fs (NM_001162427.2, NM_001406610.1, NM_001406611.1 and 2 more transcripts); c.641del, p.Thr214fs (NM_001362177.2, NM_001406614.1, NM_001406615.1 and 10 more transcripts); c.53del, p.Thr18fs (NM_001406626.1, NM_001406627.1, NM_001406628.1); c.-90del (NM_001406629.1, NM_001406630.1); c.1004delC (NM_000368.5); short protein forms T18fs, T214fs, T284fs, T335fs.
Identifiers: ClinVar variation 3777254 (VCV003777254.1).

ClinVar aggregate classification (germline): Pathogenic (1 of 4 stars; one submission).

Conditions:
Tuberous sclerosis 1 (TSC1). Identifiers: Orphanet 805, MedGen C1854465, MONDO:0008612, OMIM 191100.

Submission:

Oasi Research Institute-IRCCS
Classification: Pathogenic for Tuberous sclerosis 1. Review status: criteria provided, single submitter. Criteria: ACMG Guidelines, 2015. Collection method: research. Allele origin: de novo. Affected: yes.
Comment: The genomic variant c.1004delC is a single nucleotide deletion.This variant creates a premature translational stop signal and is expected to result in a protein truncation or nonsense-mediated decay. ACMG criteria: PVS1 (LOF), PP4 (phenotype match), PM2 (absent from controls), PP3 (in silico evidence), PS2 (de novo)= Pathogenic. Based on the evidence outlined above, the variant was classified as Pathogenic.